The following is an entry in ClinVar:

NM_001378615.1(CC2D2A):c.2568del (p.Glu857fs)

Genes: CC2D2A (coiled-coil and C2 domain containing 2A; plus strand), FBXL5 (F-box and leucine rich repeat protein 5; minus strand). Cytogenetic location: 4p15.32.
Variant type: Deletion.
Coding change: c.2568del on transcript NM_001378615.1 (MANE Select); coding-DNA position 2568, one base deleted (A; older notation c.2568delA).
Protein change: p.Glu857fs; shifts the reading frame from glutamic acid 857.
Molecular consequence: frameshift variant.
Genome position (GRCh38, 1-based): chr4:15,555,153, A deleted. VCF-style (leftmost placement, unchanged base first): chr4-15555152-CA-C. GRCh37 (hg19) VCF-style: chr4-15556775-CA-C.
Other names: c.2421del, p.Glu808fs (NM_001378617.1); c.2568del, p.Glu857fs (NM_001080522.2); short protein forms E857fs, E808fs.
Identifiers: ClinVar variation 2954141 (VCV002954141.4), dbSNP rs2475033368, ClinGen allele CA2670075450.

ClinVar aggregate classification (germline): Pathogenic/Likely pathogenic. Review status: criteria provided, multiple submitters, no conflicts (2 of 4 stars). 2 submissions from 2 submitters: Pathogenic (1); Likely pathogenic (1). Last evaluated 2024-05-04.

Conditions:
Meckel syndrome, type 6. Identifiers: Orphanet 564, MedGen C2676790, MONDO:0012848, OMIM 612284.
COACH syndrome 2. Identifiers: MedGen C5436837, MONDO:0030859, OMIM 619111.
Joubert syndrome 9 (JBTS9). Identifiers: Orphanet 2318, MedGen C2676788, MONDO:0012849, OMIM 612285.
Retinitis pigmentosa 93. Identifiers: MedGen C5676970, MONDO:0030797, OMIM 619845.
Joubert syndrome. Also called: JOUBERT-BOLTSHAUSER SYNDROME; Familial aplasia of the vermis. Identifiers: Orphanet 475, MedGen C5979921, MONDO:0018772.
Meckel-Gruber syndrome. Also called: DYSENCEPHALIA SPLANCHNOCYSTICA; GRUBER SYNDROME; Dysencephalia splachnocystica. Identifiers: Orphanet 564, MedGen C0265215, MONDO:0018921.

Allele frequency attached by ClinVar (database versions not stated): gnomAD exomes 0.00001.

Submissions (2):

Fulgent Genetics
Classification: Likely pathogenic for Meckel syndrome, type 6; Joubert syndrome 9; COACH syndrome 2; Retinitis pigmentosa 93. Last evaluated: 2024-05-04. Review status: criteria provided, single submitter. Criteria: ACMG Guidelines, 2015. Collection method: clinical testing. Allele origin: germline.

Labcorp Genetics (formerly Invitae), Labcorp
Classification: Pathogenic for Joubert syndrome; Meckel-Gruber syndrome. Last evaluated: 2023-11-24. Review status: criteria provided, single submitter. Criteria: Invitae Variant Classification Sherloc (09022015). Collection method: clinical testing. Allele origin: germline.
Comment: This sequence change creates a premature translational stop signal (p.Glu857Serfs*14) in the CC2D2A gene. It is expected to result in an absent or disrupted protein product. Loss-of-function variants in CC2D2A are known to be pathogenic (PMID: 19777577). This variant is not present in population databases (gnomAD no frequency). This variant has not been reported in the literature in individuals affected with CC2D2A-related conditions. For these reasons, this variant has been classified as Pathogenic.

Literature cited by the submitters: PubMed 19777577 (cited by Labcorp Genetics (formerly Invitae), Labcorp).